The following is an entry in ClinVar:

ClinVar aggregate classification (germline): Pathogenic (1 of 4 stars; one submission).

Allele frequency attached by ClinVar (database versions not stated): gnomAD exomes below 0.00001.
gnomAD v4.1: 1 of 1,612,354 alleles (0.000062%); highest among the groups gnomAD compares: South Asian, 0.0011%; no homozygotes.

Submission:

Labcorp Genetics (formerly Invitae), Labcorp
Classification: Pathogenic. Last evaluated: 2023-11-30. Review status: criteria provided, single submitter. Criteria: Invitae Variant Classification Sherloc (09022015). Collection method: clinical testing. Allele origin: germline.
Comment: This sequence change creates a premature translational stop signal (p.Gln2*) in the COX15 gene. It is expected to result in an absent or disrupted protein product. Loss-of-function variants in COX15 are known to be pathogenic (PMID: 15863660, 21412973). This variant is not present in population databases (gnomAD no frequency). This variant has not been reported in the literature in individuals affected with COX15-related conditions. Algorithms developed to predict the effect of sequence changes on RNA splicing suggest that this variant may create or strengthen a splice site. For these reasons, this variant has been classified as Pathogenic.

Literature cited by the submitters: PubMed 15863660; PubMed 21412973.

NM_078470.6(COX15):c.4C>T (p.Gln2Ter)

Genes: COX15 (cytochrome c oxidase assembly factor COX15; minus strand), LOC130004506 (ATAC-STARR-seq lymphoblastoid active region 3872; plus strand). Cytogenetic location: 10q24.2.
Variant type: single nucleotide variant.
Coding change: c.4C>T on transcript NM_078470.6 (MANE Select); coding-DNA position 4, C replaced by T.
Protein change: p.Gln2Ter; replaces glutamine 2 with a stop codon.
Molecular consequence: nonsense. On other transcripts: 5 prime UTR variant (1), non-coding transcript variant (1).
Genome position (GRCh38, 1-based): chr10:99,732,046, G>A on the plus strand (C>T on the coding strand, the complement: COX15 is on the minus strand). VCF-style: chr10-99732046-G-A. GRCh37 (hg19) VCF-style: chr10-101491803-G-A.
Other names: c.4C>T, p.Gln2Ter (NM_001320974.2, NM_001320975.2, NM_001372024.1 and 5 more transcripts); c.-451C>T (NM_001320976.2); short protein forms Q2*.
Identifiers: ClinVar variation 2699835 (VCV002699835.3), dbSNP rs2492747662, ClinGen allele CA378091100.